The following is an entry in ClinVar:

ClinVar aggregate classification (germline): Uncertain significance (1 of 4 stars; one submission).

Conditions:
Multiple endocrine neoplasia, type 2 (MEN2). Identifiers: Orphanet 653, MedGen C4048306, MONDO:0019003. Disease mechanism: gain of function.

Submission:

Color Diagnostics, LLC DBA Color Health
Classification: Uncertain significance for Multiple endocrine neoplasia, type 2. Last evaluated: 2025-06-23. Review status: criteria provided, single submitter. Criteria: ACMG Guidelines, 2015. Collection method: clinical testing. Allele origin: germline.
Comment: This missense variant replaces proline with histidine at codon 181 of the RET protein. Computational prediction suggests that this variant may not impact protein structure and function. To our knowledge, functional studies have not been reported for this variant. This variant has not been reported in individuals affected with RET-related disorders in the literature. This variant has not been identified in the general population by the Genome Aggregation Database (gnomAD). The available evidence is insufficient to determine the role of this variant in disease conclusively. Therefore, this variant is classified as a Variant of Uncertain Significance.

NM_020975.6(RET):c.542C>A (p.Pro181His)

Gene: RET (ret proto-oncogene; plus strand). Cytogenetic location: 10q11.21.
Variant type: single nucleotide variant.
Coding change: c.542C>A on transcript NM_020975.6 (MANE Select); coding-DNA position 542, C replaced by A.
Protein change: p.Pro181His; replaces proline 181 with histidine.
Molecular consequence: missense variant. On other transcripts: intron variant (15).
Genome position (GRCh38, 1-based): chr10:43,102,546, C>A. VCF-style: chr10-43102546-C-A. GRCh37 (hg19) VCF-style: chr10-43597994-C-A.
Other names: c.542C>A, p.Pro181His (NM_001406779.1, NM_001406780.1, NM_001406781.1 and 14 more transcripts); c.413C>A, p.Pro138His (NM_001406783.1, NM_001406786.1, NM_001406761.1 and 4 more transcripts); c.337+1824C>A (NM_001406791.1, NM_001406770.1, NM_001406766.1 and 8 more transcripts); c.74-6485C>A (NM_001406784.1); c.74-9553C>A (NM_001406794.1, NM_001406792.1, NM_001406793.1); short protein forms P138H, P181H.
Identifiers: ClinVar variation 4757092 (VCV004757092.1).
Genomic context (GRCh38, chr10:43,102,546, plus strand): 5'-AGCCCCGGGAGCTCTGCTTCCCAGAGACAAGGCCCTCCTTCCGCATTCGGGAGAACCGAC[C>A]CCCAGGCACCTTCCACCAGTTCCGCCTGCTGCCTGTGCAGTTCTTGTGCCCCAACATCAG-3'
Protein context (NP_066124.1, residues 171-191): RPSFRIRENR[Pro181His]PGTFHQFRLL